The following is an entry in ClinVar:

NM_000038.6(APC):c.6586A>G (p.Lys2196Glu)

Gene: APC (APC regulator of Wnt signaling pathway; plus strand). Cytogenetic location: 5q22.2.
Variant type: single nucleotide variant.
Coding change: c.6586A>G on transcript NM_000038.6 (MANE Select); coding-DNA position 6586, A replaced by G.
Protein change: p.Lys2196Glu; replaces lysine 2196 with glutamic acid.
Molecular consequence: missense variant.
Genome position (GRCh38, 1-based): chr5:112,842,180, A>G. VCF-style: chr5-112842180-A-G. GRCh37 (hg19) VCF-style: chr5-112177877-A-G.
Other names: c.6586A>G, p.Lys2196Glu (NM_001127510.3, NM_001354895.2); c.6532A>G, p.Lys2178Glu (NM_001127511.3); c.6640A>G, p.Lys2214Glu (NM_001354896.2); c.6616A>G, p.Lys2206Glu (NM_001354897.2); c.6511A>G, p.Lys2171Glu (NM_001354898.2); c.6502A>G, p.Lys2168Glu (NM_001354899.2); c.6463A>G, p.Lys2155Glu (NM_001354900.2); c.6409A>G, p.Lys2137Glu (NM_001354901.2); and 5 more; short protein forms K2178E, K2196E, K2095E, K2137E, K2155E, K2168E, K2171E, K2206E.
Identifiers: ClinVar variation 219461 (VCV000219461.18), dbSNP rs864622102, ClinGen allele CA348125.

ClinVar aggregate classification (germline): Uncertain significance. Review status: criteria provided, multiple submitters, no conflicts (2 of 4 stars). 3 submissions from 3 submitters: Uncertain significance (3). Last evaluated 2025-02-09.

Conditions:
Hereditary cancer-predisposing syndrome. Also called: Hereditary neoplastic syndrome; Tumor predisposition; Hereditary Cancer Syndrome; Neoplastic Syndromes, Hereditary. Identifiers: Orphanet 140162, MedGen C0027672, MeSH D009386, MONDO:0015356.
Familial adenomatous polyposis 1 (FAP1). Also called: FAMILIAL ADENOMATOUS POLYPOSIS 1, ATTENUATED; POLYPOSIS, ADENOMATOUS INTESTINAL. Identifiers: MedGen C2713442, MONDO:0021056, OMIM 175100. Disease mechanism: loss of function.

Allele frequency attached by ClinVar (database versions not stated): TOPMed below 0.00001.
gnomAD v4.1: 1 of 1,613,022 alleles (0.000062%); highest among the groups gnomAD compares: Non-Finnish European, 0.000085%; no homozygotes.

Submissions (3):

Labcorp Genetics (formerly Invitae), Labcorp
Classification: Uncertain significance for Familial adenomatous polyposis 1. Last evaluated: 2025-02-09. Review status: criteria provided, single submitter. Criteria: Invitae Variant Classification Sherloc (09022015). Collection method: clinical testing. Allele origin: germline.
Comment: This sequence change replaces lysine, which is basic and polar, with glutamic acid, which is acidic and polar, at codon 2196 of the APC protein (p.Lys2196Glu). This variant is not present in population databases (gnomAD no frequency). This variant has not been reported in the literature in individuals affected with APC-related conditions. ClinVar contains an entry for this variant (Variation ID: 219461). Invitae Evidence Modeling of protein sequence and biophysical properties (such as structural, functional, and spatial information, amino acid conservation, physicochemical variation, residue mobility, and thermodynamic stability) indicates that this missense variant is not expected to disrupt APC protein function with a negative predictive value of 95%. In summary, the available evidence is currently insufficient to determine the role of this variant in disease. Therefore, it has been classified as a Variant of Uncertain Significance.

Ambry Genetics
Classification: Uncertain significance for Hereditary cancer-predisposing syndrome. Last evaluated: 2024-06-14. Review status: criteria provided, single submitter. Criteria: Ambry Variant Classification Scheme 2023. Collection method: clinical testing. Allele origin: germline.
Comment: The p.K2196E variant (also known as c.6586A>G), located in coding exon 15 of the APC gene, results from an A to G substitution at nucleotide position 6586. The lysine at codon 2196 is replaced by glutamic acid, an amino acid with similar properties. This amino acid position is not well conserved in available vertebrate species. In addition, in silico predictors for this gene do not accurately predict pathogenicity. Missense alterations in APC are not a common cause of disease (Spier I et al. Genet Med. 2024 Feb;26(2):100992). Since supporting evidence is limited at this time, the clinical significance of this alteration remains unclear.

Color Diagnostics, LLC DBA Color Health
Classification: Uncertain significance for Hereditary cancer-predisposing syndrome. Last evaluated: 2024-03-06. Review status: criteria provided, single submitter. Criteria: ACMG Guidelines, 2015. Collection method: clinical testing. Allele origin: germline.
Comment: This missense variant replaces lysine with glutamic acid at codon 2196 of the APC protein. Computational prediction suggests that this variant may not impact protein structure and function (internally defined REVEL score threshold <= 0.5, PMID: 27666373). To our knowledge, functional studies have not been reported for this variant. This variant has not been reported in individuals affected with hereditary cancer in the literature. This variant has not been identified in the general population by the Genome Aggregation Database (gnomAD). The available evidence is insufficient to determine the role of this variant in disease conclusively. Therefore, this variant is classified as a Variant of Uncertain Significance.